The following is an entry in ClinVar:

ClinVar aggregate classification (germline): Uncertain significance (1 of 4 stars; one submission).

Conditions:
CASR-related disorder. Also called: CASR-related condition.

Submission:

PreventionGenetics, part of Exact Sciences
Classification: Uncertain significance for CASR-related condition. Last evaluated: 2025-04-19. Review status: criteria provided, single submitter. Criteria: ACMG Guidelines, 2015. Collection method: clinical testing. Allele origin: germline.
Comment: The CASR c.964C>A variant is predicted to result in the amino acid substitution p.Leu322Met. To our knowledge, this variant has not been reported in the literature or in a large population database (gnomAD), indicating this variant is rare. An alternate missense change at the same amino acid position (p.Leu322Pro) has been described in two individuals with hypocalcemia (Dershem. 2020. PubMed ID: 32386559). At this time, the clinical significance of this variant is uncertain due to the absence of conclusive functional and genetic evidence.

NM_000388.4(CASR):c.964C>A (p.Leu322Met)

Gene: CASR (calcium sensing receptor; plus strand). Cytogenetic location: 3q21.1.
Variant type: single nucleotide variant.
Coding change: c.964C>A on transcript NM_000388.4 (MANE Select); coding-DNA position 964, C replaced by A.
Protein change: p.Leu322Met; replaces leucine 322 with methionine.
Molecular consequence: missense variant.
Genome position (GRCh38, 1-based): chr3:122,261,999, C>A. VCF-style: chr3-122261999-C-A. GRCh37 (hg19) VCF-style: chr3-121980846-C-A.
Other names: c.964C>A, p.Leu322Met (NM_001178065.2); short protein forms L322M.
Identifiers: ClinVar variation 4998368 (VCV004998368.1).